The following is an entry in ClinVar:

ClinVar aggregate classification (germline): Uncertain significance. Review status: criteria provided, multiple submitters, no conflicts (2 of 4 stars). 2 submissions from 2 submitters: Uncertain significance (2). Last evaluated 2025-03-14.

Conditions:
Familial adenomatous polyposis 1 (FAP1). Also called: FAMILIAL ADENOMATOUS POLYPOSIS 1, ATTENUATED; POLYPOSIS, ADENOMATOUS INTESTINAL. Identifiers: MedGen C2713442, MONDO:0021056, OMIM 175100. Disease mechanism: loss of function.
Hereditary cancer-predisposing syndrome. Also called: Tumor predisposition; Hereditary neoplastic syndrome; Hereditary Cancer Syndrome; Neoplastic Syndromes, Hereditary. Identifiers: Orphanet 140162, MedGen C0027672, MeSH D009386, MONDO:0015356.

Submissions (2):

Ambry Genetics
Classification: Uncertain significance for Hereditary cancer-predisposing syndrome. Last evaluated: 2025-03-14. Review status: criteria provided, single submitter. Criteria: Ambry Variant Classification Scheme 2023. Collection method: clinical testing. Allele origin: germline.
Comment: The p.G1997R variant (also known as c.5989G>A), located in coding exon 15 of the APC gene, results from a G to A substitution at nucleotide position 5989. The glycine at codon 1997 is replaced by arginine, an amino acid with dissimilar properties. This amino acid position is conserved. In addition, in silico predictors for this gene do not accurately predict pathogenicity. Based on the available evidence, the clinical significance of this variant remains unclear.

Labcorp Genetics (formerly Invitae), Labcorp
Classification: Uncertain significance for Familial adenomatous polyposis 1. Last evaluated: 2023-12-01. Review status: criteria provided, single submitter. Criteria: Invitae Variant Classification Sherloc (09022015). Collection method: clinical testing. Allele origin: germline.
Comment: This sequence change replaces glycine, which is neutral and non-polar, with arginine, which is basic and polar, at codon 1997 of the APC protein (p.Gly1997Arg). This variant is not present in population databases (gnomAD no frequency). This variant has not been reported in the literature in individuals affected with APC-related conditions. Advanced modeling of protein sequence and biophysical properties (such as structural, functional, and spatial information, amino acid conservation, physicochemical variation, residue mobility, and thermodynamic stability) performed at Invitae indicates that this missense variant is not expected to disrupt APC protein function with a negative predictive value of 95%. In summary, the available evidence is currently insufficient to determine the role of this variant in disease. Therefore, it has been classified as a Variant of Uncertain Significance.

NM_000038.6(APC):c.5989G>A (p.Gly1997Arg)

Gene: APC (APC regulator of Wnt signaling pathway; plus strand). Cytogenetic location: 5q22.2.
Variant type: single nucleotide variant.
Coding change: c.5989G>A on transcript NM_000038.6 (MANE Select); coding-DNA position 5989, G replaced by A.
Protein change: p.Gly1997Arg; replaces glycine 1997 with arginine.
Molecular consequence: missense variant. On other transcripts: non-coding transcript variant (2).
Genome position (GRCh38, 1-based): chr5:112,841,583, G>A. VCF-style: chr5-112841583-G-A. GRCh37 (hg19) VCF-style: chr5-112177280-G-A.
Other names: c.5989G>A (NM_000038.5); c.5989G>A, p.Gly1997Arg (NM_001127510.3, NM_001354895.2, NM_001407450.1); c.5935G>A, p.Gly1979Arg (NM_001127511.3); c.6043G>A, p.Gly2015Arg (NM_001354896.2, NM_001407447.1, NM_001407448.1 and 1 more transcripts); c.6019G>A, p.Gly2007Arg (NM_001354897.2); c.5914G>A, p.Gly1972Arg (NM_001354898.2); c.5905G>A, p.Gly1969Arg (NM_001354899.2); c.5866G>A, p.Gly1956Arg (NM_001354900.2); and 12 more; short protein forms G1613R, G1990R, G2015R, G1906R, G1972R, G1979R, G1714R, G1868R.
Identifiers: ClinVar variation 2986115 (VCV002986115.4), dbSNP rs2149954333, ClinGen allele CA16034440.